The following is an entry in ClinVar:

NM_080680.3(COL11A2):c.4591G>C (p.Gly1531Arg)

Gene: COL11A2 (collagen type XI alpha 2 chain; minus strand). Cytogenetic location: 6p21.32.
Variant type: single nucleotide variant.
Coding change: c.4591G>C on transcript NM_080680.3 (MANE Select); coding-DNA position 4591, G replaced by C.
Protein change: p.Gly1531Arg; replaces glycine 1531 with arginine.
Molecular consequence: missense variant.
Genome position (GRCh38, 1-based): chr6:33,165,708, C>G on the plus strand (G>C on the coding strand, the complement: COL11A2 is on the minus strand). VCF-style: chr6-33165708-C-G. GRCh37 (hg19) VCF-style: chr6-33133485-C-G.
Other names: c.4270G>C, p.Gly1424Arg (NM_080679.3); c.4333G>C, p.Gly1445Arg (NM_080681.3); short protein forms G1424R, G1445R, G1531R.
Identifiers: ClinVar variation 1210514 (VCV001210514.9), dbSNP rs566171449, ClinGen allele CA3750043.

ClinVar aggregate classification (germline): Conflicting classifications of pathogenicity. Review status: criteria provided, conflicting classifications (1 of 4 stars). 4 submissions from 4 submitters: Uncertain significance (3); Likely benign (1). Last evaluated 2024-05-30.

Allele frequency attached by ClinVar (database versions not stated): ExAC 0.00007; 1000 Genomes Project 30x 0.00016; 1000 Genomes Project 0.00020.
gnomAD v4.1: 32 of 1,611,066 alleles (0.002%); highest among the groups gnomAD compares: South Asian, 0.033%; no homozygotes.

Submissions (4):

GeneDx
Classification: Uncertain significance. Last evaluated: 2024-05-30. Review status: criteria provided, single submitter. Criteria: GeneDx Variant Classification Process June 2021. Collection method: clinical testing. Allele origin: germline. Affected: yes.
Comment: Has not been previously published as pathogenic or benign to our knowledge; In silico analysis indicates that this missense variant does not alter protein structure/function

Revvity Omics, Revvity
Classification: Uncertain significance. Last evaluated: 2024-02-07. Review status: criteria provided, single submitter. Criteria: ACMG Guidelines, 2015. Collection method: clinical testing. Allele origin: germline.

Blueprint Genetics
Classification: Likely benign. Last evaluated: 2023-12-29. Review status: criteria provided, single submitter. Criteria: ACMG Guidelines, 2015. Collection method: clinical testing. Allele origin: germline.

Labcorp Genetics (formerly Invitae), Labcorp
Classification: Uncertain significance. Last evaluated: 2022-08-09. Review status: criteria provided, single submitter. Criteria: Invitae Variant Classification Sherloc (09022015). Collection method: clinical testing. Allele origin: germline.
Comment: This sequence change replaces glycine, which is neutral and non-polar, with arginine, which is basic and polar, at codon 1531 of the COL11A2 protein (p.Gly1531Arg). This variant is present in population databases (rs566171449, gnomAD 0.05%). This variant has not been reported in the literature in individuals affected with COL11A2-related conditions. ClinVar contains an entry for this variant (Variation ID: 1210514). Advanced modeling of protein sequence and biophysical properties (such as structural, functional, and spatial information, amino acid conservation, physicochemical variation, residue mobility, and thermodynamic stability) performed at Invitae indicates that this missense variant is not expected to disrupt COL11A2 protein function. In summary, the available evidence is currently insufficient to determine the role of this variant in disease. Therefore, it has been classified as a Variant of Uncertain Significance.